The following is an entry in ClinVar:

NM_182914.3(SYNE2):c.19867C>T (p.Leu6623=)

Gene: SYNE2 (spectrin repeat containing nuclear envelope protein 2; plus strand). Cytogenetic location: 14q23.2.
Variant type: single nucleotide variant.
Coding change: c.19867C>T on transcript NM_182914.3 (MANE Select); coding-DNA position 19867, C replaced by T.
Protein change: p.Leu6623=; no amino-acid change (leucine 6623 retained).
Molecular consequence: synonymous variant.
Genome position (GRCh38, 1-based): chr14:64,220,443, C>T. VCF-style: chr14-64220443-C-T. GRCh37 (hg19) VCF-style: chr14-64687161-C-T.
Other names: c.19798C>T, p.Leu6600= (NM_015180.6); c.391C>T, p.Leu131= (NM_182910.2); c.769C>T, p.Leu257= (NM_182913.4).
Identifiers: ClinVar variation 313654 (VCV000313654.32), dbSNP rs139826953, ClinGen allele CA7224626.
Genomic context (GRCh38, chr14:64,220,443, plus strand): 5'-GCCCCTCCTCCCTACTTTCAGAGCTCCTAACCTCATCTTTTCTCTCTCTGGTAGGAGATA[C>T]TGAAAGCCTTTGACACTTACAAGGCATTAGTGGTCTCTGTCAACGTGAGCAGCAAGGAAT-3'
Protein context (NP_878918.2, residues 6613-6633): ELRVKRLQEI[Leu6623=]KAFDTYKALV

ClinVar aggregate classification (germline): Benign/Likely benign. Review status: criteria provided, multiple submitters, no conflicts (2 of 4 stars). 4 submissions from 4 submitters: Benign (2); Likely benign (2). Last evaluated 2025-12-02.

Conditions:
Emery-Dreifuss muscular dystrophy 5, autosomal dominant (EDMD5). Also called: EMERY-DREIFUSS MUSCULAR DYSTROPHY 5. Identifiers: Orphanet 261, MedGen C2751805, MONDO:0013072, OMIM 612999.

Allele frequency attached by ClinVar (database versions not stated): gnomAD 0.00014; TOPMed 0.00014; ExAC 0.00017; ESP Exome Variant Server 0.00023.
gnomAD v4.1: 182 of 1,614,088 alleles (0.011%); highest among the groups gnomAD compares: Middle Eastern, 0.016%; no homozygotes.

Submissions (4):

Labcorp Genetics (formerly Invitae), Labcorp
Classification: Benign for Emery-Dreifuss muscular dystrophy 5, autosomal dominant. Last evaluated: 2025-12-02. Review status: criteria provided, single submitter. Criteria: Invitae Variant Classification Sherloc (09022015). Collection method: clinical testing. Allele origin: germline.

Blueprint Genetics
Classification: Likely benign. Last evaluated: 2024-11-22. Review status: criteria provided, single submitter. Criteria: ACMG Guidelines, 2015. Collection method: clinical testing. Allele origin: germline.

CeGaT Center for Human Genetics Tuebingen
Classification: Likely benign. Last evaluated: 2024-09-01. Review status: criteria provided, single submitter. Criteria: CeGaT Center For Human Genetics Tuebingen Variant Classification Criteria Version 2. Collection method: clinical testing. Allele origin: germline. Affected: yes. Observed: 1 variant allele.
Comment: SYNE2: BP4, BP7

Illumina Laboratory Services, Illumina
Classification: Benign for Emery-Dreifuss muscular dystrophy 5, autosomal dominant. Last evaluated: 2018-01-12. Review status: criteria provided, single submitter. Criteria: ICSL Variant Classification Criteria 13 December 2019. Collection method: clinical testing. Allele origin: germline.
Comment: This variant was observed in the ICSL laboratory as part of a predisposition screen in an ostensibly healthy population. It had not been previously curated by ICSL or reported in the Human Gene Mutation Database (HGMD: prior to June 1st, 2018), and was therefore a candidate for classification through an automated scoring system. Utilizing variant allele frequency, disease prevalence and penetrance estimates, and inheritance mode, an automated score was calculated to assess if this variant is too frequent to cause the disease. Based on the score and internal cut-off values, a variant classified as benign is not then subjected to further curation. The score for this variant resulted in a classification of benign for this disease.